The following is an entry in ClinVar:

ClinVar aggregate classification (germline): Conflicting classifications of pathogenicity. Review status: criteria provided, conflicting classifications (1 of 4 stars). 5 submissions from 5 submitters: Uncertain significance (1); Benign (2); Likely benign (2). Last evaluated 2026-01-31.

Conditions:
Autosomal recessive nonsyndromic hearing loss 77. Identifiers: Orphanet 90636, MedGen C2746083, MONDO:0013119, OMIM 613079.

Allele frequency attached by ClinVar (database versions not stated): gnomAD exomes 0.00026 and 0.00061; ExAC 0.00159; gnomAD 0.00267 and 0.00279; TOPMed 0.00305; 1000 Genomes Project 0.00419; 1000 Genomes Project 30x 0.00453.
gnomAD v4.1: 776 of 1,550,738 alleles (0.05%); highest among the groups gnomAD compares: African/African-American, 0.97%; 4 homozygotes.

Submissions (5):

Labcorp Genetics (formerly Invitae), Labcorp
Classification: Benign. Last evaluated: 2026-01-31. Review status: criteria provided, single submitter. Criteria: Invitae Variant Classification Sherloc (09022015). Collection method: clinical testing. Allele origin: germline.

Blueprint Genetics
Classification: Likely benign. Last evaluated: 2024-11-20. Review status: criteria provided, single submitter. Criteria: ACMG Guidelines, 2015. Collection method: clinical testing. Allele origin: germline.

GeneDx
Classification: Likely benign. Last evaluated: 2018-09-02. Review status: criteria provided, single submitter. Criteria: GeneDx Variant Classification Process June 2021. Collection method: clinical testing. Allele origin: germline. Affected: yes.

Illumina Laboratory Services, Illumina
Classification: Uncertain significance for Autosomal recessive nonsyndromic hearing loss 77. Last evaluated: 2018-01-12. Review status: criteria provided, single submitter. Criteria: ICSL Variant Classification Criteria 13 December 2019. Collection method: clinical testing. Allele origin: germline.

Laboratory for Molecular Medicine, Mass General Brigham Personalized Medicine
Classification: Benign. Last evaluated: 2015-05-26. Review status: criteria provided, single submitter. Criteria: LMM Criteria. Collection method: clinical testing. Allele origin: germline. Observed: 4 variant alleles.
Comment: p.Gly2199Gly in exon 40 of LOXHD1: This variant is not expected to have clinica l significance because it does not alter an amino acid residue and is not locate d within the splice consensus sequence. It has been identified in 1.7% (27/1596) of African chromosomes by the Exome Aggregation Consortium (ExAC; dbSNP rs115835484).

NM_001384474.1(LOXHD1):c.6783G>A (p.Gly2261=)

Gene: LOXHD1 (lipoxygenase homology PLAT domains 1; minus strand). Cytogenetic location: 18q21.1.
Variant type: single nucleotide variant.
Coding change: c.6783G>A on transcript NM_001384474.1 (MANE Select); coding-DNA position 6783, G replaced by A.
Protein change: p.Gly2261=; no amino-acid change (glycine 2261 retained).
Molecular consequence: synonymous variant. On other transcripts: intron variant (3).
Genome position (GRCh38, 1-based): chr18:46,477,511, C>T on the plus strand (G>A on the coding strand, the complement: LOXHD1 is on the minus strand). VCF-style: chr18-46477511-C-T. GRCh37 (hg19) VCF-style: chr18-44057474-C-T.
Other names: c.1500G>A, p.Gly500= (NM_001145473.3); c.6597G>A, p.Gly2199= (NM_144612.7); c.3307+143G>A (NM_001145472.3); c.3033+129G>A (NM_001308013.2); c.1371+129G>A (NM_001173129.2).
Identifiers: ClinVar variation 163883 (VCV000163883.22), dbSNP rs115835484, ClinGen allele CA176602.